The following is an entry in ClinVar:

NM_152383.5(DIS3L2):c.2566A>G (p.Ile856Val)

Gene: DIS3L2 (DIS3 like 3'-5' exoribonuclease 2; plus strand). Cytogenetic location: 2q37.1.
Variant type: single nucleotide variant.
Coding change: c.2566A>G on transcript NM_152383.5 (MANE Select); coding-DNA position 2566, A replaced by G.
Protein change: p.Ile856Val; replaces isoleucine 856 with valine.
Molecular consequence: missense variant. On other transcripts: non-coding transcript variant (2), intron variant (1).
Genome position (GRCh38, 1-based): chr2:232,336,538, A>G. VCF-style: chr2-232336538-A-G. GRCh37 (hg19) VCF-style: chr2-233201248-A-G.
Other names: c.1582-6807A>G (NM_001257281.2); short protein forms I856V.
Identifiers: ClinVar variation 1493915 (VCV001493915.8), dbSNP rs2106357308, ClinGen allele CA350978978.

ClinVar aggregate classification (germline): Uncertain significance (1 of 4 stars; one submission).

Conditions:
Perlman syndrome (PRLMNS). Identifiers: Orphanet 2849, MedGen C0796113, MONDO:0009965, OMIM 267000.

Submission:

Labcorp Genetics (formerly Invitae), Labcorp
Classification: Uncertain significance for Perlman syndrome. Last evaluated: 2021-06-16. Review status: criteria provided, single submitter. Criteria: Invitae Variant Classification Sherloc (09022015). Collection method: clinical testing. Allele origin: germline.
Comment: In summary, the available evidence is currently insufficient to determine the role of this variant in disease. Therefore, it has been classified as a Variant of Uncertain Significance. Algorithms developed to predict the effect of missense changes on protein structure and function output the following: SIFT: "Tolerated"; PolyPhen-2: "Benign"; Align-GVGD: "Class C0". The valine amino acid residue is found in multiple mammalian species, suggesting that this missense change does not adversely affect protein function. These predictions have not been confirmed by published functional studies and their clinical significance is uncertain. This variant has not been reported in the literature in individuals with DIS3L2-related conditions. This variant is not present in population databases (ExAC no frequency). This sequence change replaces isoleucine with valine at codon 856 of the DIS3L2 protein (p.Ile856Val). The isoleucine residue is weakly conserved and there is a small physicochemical difference between isoleucine and valine.